The following is an entry in ClinVar:

NM_022356.4(P3H1):c.1170+2T>C

Gene: P3H1 (prolyl 3-hydroxylase 1; minus strand). Cytogenetic location: 1p34.2.
Variant type: single nucleotide variant.
Coding change: c.1170+2T>C on transcript NM_022356.4 (MANE Select); the canonical splice donor site of the intron after coding-DNA position 1170, T replaced by C.
Molecular consequence: splice donor variant.
Genome position (GRCh38, 1-based): chr1:42,755,546, A>G on the plus strand (T>C on the coding strand, the complement: P3H1 is on the minus strand). VCF-style: chr1-42755546-A-G. GRCh37 (hg19) VCF-style: chr1-43221217-A-G.
Other names: c.1170+2T>C (NM_001146289.2, NM_001243246.2).
Identifiers: ClinVar variation 2745371 (VCV002745371.3), dbSNP rs72659352, ClinGen allele CA339958182.

ClinVar aggregate classification (germline): Likely pathogenic (1 of 4 stars; one submission).

Conditions:
Osteogenesis imperfecta type 8 (OI8). Identifiers: MedGen C1970458, MONDO:0012581, OMIM 610915.

gnomAD v4.1: 12 of 1,611,994 alleles (0.00074%); highest among the groups gnomAD compares: Non-Finnish European, 0.001%; no homozygotes.

Submission:

Labcorp Genetics (formerly Invitae), Labcorp
Classification: Likely pathogenic for Osteogenesis imperfecta type 8. Last evaluated: 2025-09-01. Review status: criteria provided, single submitter. Criteria: Invitae Variant Classification Sherloc (09022015). Collection method: clinical testing. Allele origin: germline.
Comment: This sequence change affects a donor splice site in intron 6 of the P3H1 gene. It is expected to disrupt RNA splicing. Variants that disrupt the donor or acceptor splice site typically lead to a loss of protein function (PMID: 16199547), and loss-of-function variants in P3H1 are known to be pathogenic (PMID: 17277775, 18566967, 19088120, 22281939). This variant is not present in population databases (gnomAD no frequency). Disruption of this splice site has been observed in individual(s) with osteogenesis imperfecta (PMID: 18566967). ClinVar contains an entry for this variant (Variation ID: 2745371). Algorithms developed to predict the effect of sequence changes on RNA splicing suggest that this variant may disrupt the consensus splice site. In summary, the currently available evidence indicates that the variant is pathogenic, but additional data are needed to prove that conclusively. Therefore, this variant has been classified as Likely Pathogenic.

Literature cited by the submitters: PubMed 16199547; PubMed 17277775; PubMed 18566967; PubMed 19088120; PubMed 22281939.